The following is an entry in ClinVar:

ClinVar aggregate classification (germline): Benign/Likely benign. Review status: criteria provided, multiple submitters, no conflicts (2 of 4 stars). 3 submissions from 3 submitters: Benign (1); Likely benign (2). Last evaluated 2026-07-01.

Allele frequency attached by ClinVar (database versions not stated): 1000 Genomes Project 0.00060; 1000 Genomes Project 30x 0.00094; ESP Exome Variant Server 0.00131; TOPMed 0.00144; ExAC 0.00158; gnomAD exomes 0.00163; gnomAD 0.00183.
gnomAD v4.1: 2,653 of 1,613,804 alleles (0.16%); highest among the groups gnomAD compares: Non-Finnish European, 0.19%; 7 homozygotes.

Submissions (3):

CeGaT Center for Human Genetics Tuebingen
Classification: Likely benign. Last evaluated: 2026-07-01. Review status: criteria provided, single submitter. Criteria: CeGaT Center For Human Genetics Tuebingen Variant Classification Criteria Version 2. Collection method: clinical testing. Allele origin: germline. Affected: yes. Observed: 21 variant alleles.
Comment: CNOT3: BP4, BP7, BS1

Labcorp Genetics (formerly Invitae), Labcorp
Classification: Benign. Last evaluated: 2025-12-18. Review status: criteria provided, single submitter. Criteria: Invitae Variant Classification Sherloc (09022015). Collection method: clinical testing. Allele origin: germline.

Blueprint Genetics
Classification: Likely benign. Last evaluated: 2024-11-26. Review status: criteria provided, single submitter. Criteria: ACMG Guidelines, 2015. Collection method: clinical testing. Allele origin: germline.

NM_014516.4(CNOT3):c.657C>T (p.Phe219=)

Gene: CNOT3 (CCR4-NOT transcription complex subunit 3; plus strand). Cytogenetic location: 19q13.42.
Variant type: single nucleotide variant.
Coding change: c.657C>T on transcript NM_014516.4 (MANE Select); coding-DNA position 657, C replaced by T.
Protein change: p.Phe219=; no amino-acid change (phenylalanine 219 retained).
Molecular consequence: synonymous variant.
Genome position (GRCh38, 1-based): chr19:54,145,771, C>T. VCF-style: chr19-54145771-C-T. GRCh37 (hg19) VCF-style: chr19-54649507-C-T.
Identifiers: ClinVar variation 1971356 (VCV001971356.30), dbSNP rs35511193, ClinGen allele CA309339098.